The following is an entry in ClinVar:

ClinVar aggregate classification (germline): Uncertain significance. Review status: criteria provided, multiple submitters, no conflicts (2 of 4 stars). 2 submissions from 2 submitters: Uncertain significance (2). Last evaluated 2023-08-17.

Allele frequency attached by ClinVar (database versions not stated): gnomAD exomes below 0.00001; gnomAD 0.00001; TOPMed 0.00001.
gnomAD v4.1: 6 of 1,613,054 alleles (0.00037%); highest among the groups gnomAD compares: Non-Finnish European, 0.00051%; no homozygotes.

Submissions (2):

Labcorp Genetics (formerly Invitae), Labcorp
Classification: Uncertain significance. Last evaluated: 2023-08-17. Review status: criteria provided, single submitter. Criteria: Invitae Variant Classification Sherloc (09022015). Collection method: clinical testing. Allele origin: germline.
Comment: Advanced modeling of protein sequence and biophysical properties (such as structural, functional, and spatial information, amino acid conservation, physicochemical variation, residue mobility, and thermodynamic stability) performed at Invitae indicates that this missense variant is not expected to disrupt DEAF1 protein function. ClinVar contains an entry for this variant (Variation ID: 929105). This variant has not been reported in the literature in individuals affected with DEAF1-related conditions. This variant is present in population databases (no rsID available, gnomAD 0.0009%). This sequence change replaces threonine, which is neutral and polar, with proline, which is neutral and non-polar, at codon 432 of the DEAF1 protein (p.Thr432Pro). In summary, the available evidence is currently insufficient to determine the role of this variant in disease. Therefore, it has been classified as a Variant of Uncertain Significance.

Women's Health and Genetics/Laboratory Corporation of America, LabCorp
Classification: Uncertain significance. Last evaluated: 2019-11-14. Review status: criteria provided, single submitter. Criteria: LabCorp Variant Classification Summary - May 2015. Collection method: clinical testing. Allele origin: germline.
Comment: Variant summary: DEAF1 c.1294A>C (p.Thr432Pro) results in a non-conservative amino acid change in the encoded protein sequence. Three of five in-silico tools predict a benign effect of the variant on protein function. The variant allele was found at a frequency of 4e-06 in 250676 control chromosomes (gnomAD). The available data on variant occurrences in the general population are insufficient to allow any conclusion about variant significance. To our knowledge, no occurrence of c.1294A>C in individuals affected with Mental retardation, autosomal dominant 24 and no experimental evidence demonstrating its impact on protein function have been reported. No clinical diagnostic laboratories have submitted clinical-significance assessments for this variant to ClinVar after 2014. Based on the evidence outlined above, the variant was classified as uncertain significance.

NM_021008.4(DEAF1):c.1294A>C (p.Thr432Pro)

Genes: DEAF1 (DEAF1 transcription factor; minus strand), LOC126861109 (BRD4-independent group 4 enhancer GRCh37_chr11:673917-675116; plus strand). Cytogenetic location: 11p15.5.
Variant type: single nucleotide variant.
Coding change: c.1294A>C on transcript NM_021008.4 (MANE Select); coding-DNA position 1294, A replaced by C.
Protein change: p.Thr432Pro; replaces threonine 432 with proline.
Molecular consequence: missense variant.
Genome position (GRCh38, 1-based): chr11:674,745, T>G on the plus strand (A>C on the coding strand, the complement: DEAF1 is on the minus strand). VCF-style: chr11-674745-T-G. GRCh37 (hg19) VCF-style: chr11-674745-T-G.
Other names: c.1027A>C, p.Thr343Pro (NM_001293634.2); c.568A>C, p.Thr190Pro (NM_001367390.1); short protein forms T190P, T343P, T432P.
Identifiers: ClinVar variation 929105 (VCV000929105.9), dbSNP rs1352647775, ClinGen allele CA378924430.